The following is an entry in ClinVar:

ClinVar aggregate classification (germline): Uncertain significance. Review status: criteria provided, multiple submitters, no conflicts (2 of 4 stars). 3 submissions from 3 submitters: Uncertain significance (2). 1 of the submissions does not count toward it. Last evaluated 2025-11-03.

Conditions:
Cohen syndrome (COH1). Also called: PEPPER SYNDROME; Cutis verticis gyrata, retinitis pigmentosa, and sensorineural deafness. Identifiers: Orphanet 193, MedGen C0265223, MONDO:0008999, OMIM 216550.
Inborn genetic diseases. Identifiers: MedGen C0950123, MeSH D030342.

Allele frequency attached by ClinVar (database versions not stated): gnomAD exomes below 0.00001 and 0.00002; gnomAD 0.00001; TOPMed 0.00001.
gnomAD v4.1: 29 of 1,613,954 alleles (0.0018%); highest among the groups gnomAD compares: Non-Finnish European, 0.0024%; no homozygotes.

Submissions (3):

Ambry Genetics
Classification: Uncertain significance for Inborn genetic diseases. Last evaluated: 2025-11-03. Review status: criteria provided, single submitter. Criteria: Ambry Variant Classification Scheme 2023. Collection method: clinical testing. Allele origin: germline.

Labcorp Genetics (formerly Invitae), Labcorp
Classification: Uncertain significance for Cohen syndrome. Last evaluated: 2025-01-13. Review status: criteria provided, single submitter. Criteria: Invitae Variant Classification Sherloc (09022015). Collection method: clinical testing. Allele origin: germline.
Comment: This sequence change replaces methionine, which is neutral and non-polar, with threonine, which is neutral and polar, at codon 873 of the VPS13B protein (p.Met873Thr). This variant is present in population databases (rs112259211, gnomAD 0.0009%). This variant has not been reported in the literature in individuals affected with VPS13B-related conditions. ClinVar contains an entry for this variant (Variation ID: 1060016). Invitae Evidence Modeling of protein sequence and biophysical properties (such as structural, functional, and spatial information, amino acid conservation, physicochemical variation, residue mobility, and thermodynamic stability) indicates that this missense variant is not expected to disrupt VPS13B protein function with a negative predictive value of 80%. In summary, the available evidence is currently insufficient to determine the role of this variant in disease. Therefore, it has been classified as a Variant of Uncertain Significance.

Natera, Inc.
Classification: Uncertain significance for Cohen syndrome. Last evaluated: 2020-10-21. Review status: no assertion criteria provided. Collection method: clinical testing. Allele origin: germline. Not counted in ClinVar's aggregate classification.

NM_152564.5(VPS13B):c.2618T>C (p.Met873Thr)

Gene: VPS13B (vacuolar protein sorting 13 homolog B; plus strand). Cytogenetic location: 8q22.2.
Variant type: single nucleotide variant.
Coding change: c.2618T>C on transcript NM_152564.5 (MANE Select); coding-DNA position 2618, T replaced by C.
Protein change: p.Met873Thr; replaces methionine 873 with threonine.
Molecular consequence: missense variant.
Genome position (GRCh38, 1-based): chr8:99,274,300, T>C. VCF-style: chr8-99274300-T-C. GRCh37 (hg19) VCF-style: chr8-100286528-T-C.
Other names: c.2618T>C (NM_017890.3); c.2618T>C, p.Met873Thr (NM_017890.5); short protein forms M873T.
Identifiers: ClinVar variation 1060016 (VCV001060016.7), dbSNP rs112259211, ClinGen allele CA182929585.